The following is an entry in ClinVar:

NM_032776.3(JMJD1C):c.1936A>G (p.Lys646Glu)

Gene: JMJD1C (jumonji domain containing 1C; minus strand). Cytogenetic location: 10q21.3.
Variant type: single nucleotide variant.
Coding change: c.1936A>G on transcript NM_032776.3 (MANE Select); coding-DNA position 1936, A replaced by G.
Protein change: p.Lys646Glu; replaces lysine 646 with glutamic acid.
Molecular consequence: missense variant. On other transcripts: non-coding transcript variant (1).
Genome position (GRCh38, 1-based): chr10:63,214,231, T>C on the plus strand (A>G on the coding strand, the complement: JMJD1C is on the minus strand). VCF-style: chr10-63214231-T-C. GRCh37 (hg19) VCF-style: chr10-64973991-T-C.
Other names: c.1390A>G, p.Lys464Glu (NM_001282948.2, NM_001318154.2); c.1072A>G, p.Lys358Glu (NM_001318153.2); c.1822A>G, p.Lys608Glu (NM_001322252.2); c.1279A>G, p.Lys427Glu (NM_001322254.2, NM_001322258.2); short protein forms K427E, K608E, K358E, K464E, K646E.
Identifiers: ClinVar variation 839850 (VCV000839850.9), dbSNP rs778443308, ClinGen allele CA5518716.

ClinVar aggregate classification (germline): Uncertain significance (1 of 4 stars; one submission).

Conditions:
Early Myoclonic Encephalopathy. Identifiers: MedGen C0270855.

Allele frequency attached by ClinVar (database versions not stated): gnomAD exomes below 0.00001; TOPMed below 0.00001; ExAC 0.00001; gnomAD 0.00001.
gnomAD v4.1: 1 of 1,613,964 alleles (0.000062%); highest among the groups gnomAD compares: African/African-American, 0.0013%; no homozygotes.

Submission:

Labcorp Genetics (formerly Invitae), Labcorp
Classification: Uncertain significance for Early Myoclonic Encephalopathy. Last evaluated: 2019-12-03. Review status: criteria provided, single submitter. Criteria: Invitae Variant Classification Sherloc (09022015). Collection method: clinical testing. Allele origin: germline.
Comment: In summary, the available evidence is currently insufficient to determine the role of this variant in disease. Therefore, it has been classified as a Variant of Uncertain Significance. Algorithms developed to predict the effect of missense changes on protein structure and function are either unavailable or do not agree on the potential impact of this missense change (SIFT: "Deleterious"; PolyPhen-2: "Benign"; Align-GVGD: "Class C0"). This variant has not been reported in the literature in individuals with JMJD1C-related conditions. This variant is present in population databases (rs778443308, ExAC 0.01%). This sequence change replaces lysine with glutamic acid at codon 646 of the JMJD1C protein (p.Lys646Glu). The lysine residue is moderately conserved and there is a small physicochemical difference between lysine and glutamic acid.